The following is an entry in ClinVar:

NM_020937.4(FANCM):c.5151G>A (p.Lys1717=)

Gene: FANCM (FA complementation group M; plus strand). Cytogenetic location: 14q21.2.
Variant type: single nucleotide variant.
Coding change: c.5151G>A on transcript NM_020937.4 (MANE Select); coding-DNA position 5151, G replaced by A.
Protein change: p.Lys1717=; no amino-acid change (lysine 1717 retained).
Molecular consequence: synonymous variant.
Genome position (GRCh38, 1-based): chr14:45,189,173, G>A. VCF-style: chr14-45189173-G-A. GRCh37 (hg19) VCF-style: chr14-45658376-G-A.
Other names: c.5073G>A, p.Lys1691= (NM_001308133.2).
Identifiers: ClinVar variation 3055083 (VCV003055083.2), dbSNP rs2503245466, ClinGen allele CA486347843.

ClinVar aggregate classification (germline): Likely benign (0 of 4 stars; one submission).

Conditions:
FANCM-related disorder. Also called: FANCM-related condition.

Submission:

PreventionGenetics, part of Exact Sciences
Classification: Likely benign for FANCM-related condition. Last evaluated: 2020-05-20. Review status: no assertion criteria provided. Collection method: clinical testing. Allele origin: germline.
Comment: This variant is classified as likely benign based on ACMG/AMP sequence variant interpretation guidelines (Richards et al. 2015 PMID: 25741868, with internal and published modifications).